The following is an entry in ClinVar:

NM_015215.4(CAMTA1):c.814G>A (p.Gly272Ser)

Gene: CAMTA1 (calmodulin binding transcription activator 1; plus strand). Cytogenetic location: 1p36.23.
Variant type: single nucleotide variant.
Coding change: c.814G>A on transcript NM_015215.4 (MANE Select); coding-DNA position 814, G replaced by A.
Protein change: p.Gly272Ser; replaces glycine 272 with serine.
Molecular consequence: missense variant.
Genome position (GRCh38, 1-based): chr1:7,663,361, G>A. VCF-style: chr1-7663361-G-A. GRCh37 (hg19) VCF-style: chr1-7723421-G-A.
Other names: c.724G>A, p.Gly242Ser (NM_001349608.2, NM_001349612.2); c.814G>A, p.Gly272Ser (NM_001349609.2, NM_001349610.2); c.814G>A (NM_015215.2); short protein forms G242S, G272S.
Identifiers: ClinVar variation 975360 (VCV000975360.32), dbSNP rs201816354, ClinGen allele CA566303.

ClinVar aggregate classification (germline): Conflicting classifications of pathogenicity. Review status: criteria provided, conflicting classifications (1 of 4 stars). 5 submissions from 5 submitters: Uncertain significance (2); Likely benign (2). 1 of the submissions does not count toward it. Last evaluated 2025-12-13.

Conditions:
Inborn genetic diseases. Identifiers: MedGen C0950123, MeSH D030342.
Intellectual disability. Also called: Intellectual developmental disorder; intellectual disabilities; Intellectual functioning disability. Identifiers: MedGen C3714756, MeSH D008607, MONDO:0001071, HP:0001249.

Allele frequency attached by ClinVar (database versions not stated): ESP Exome Variant Server 0.00008; gnomAD 0.00010; gnomAD exomes 0.00010 and 0.00011; ExAC 0.00011; TOPMed 0.00012.
gnomAD v4.1: 160 of 1,525,392 alleles (0.01%); highest among the groups gnomAD compares: Non-Finnish European, 0.013%; 1 homozygote.

Submissions (5):

Labcorp Genetics (formerly Invitae), Labcorp
Classification: Uncertain significance. Last evaluated: 2025-12-13. Review status: criteria provided, single submitter. Criteria: Invitae Variant Classification Sherloc (09022015). Collection method: clinical testing. Allele origin: germline.
Comment: This sequence change replaces glycine, which is neutral and non-polar, with serine, which is neutral and polar, at codon 272 of the CAMTA1 protein (p.Gly272Ser). This variant is present in population databases (rs201816354, gnomAD 0.02%). This variant has not been reported in the literature in individuals affected with CAMTA1-related conditions. ClinVar contains an entry for this variant (Variation ID: 975360). Invitae Evidence Modeling of protein sequence and biophysical properties (such as structural, functional, and spatial information, amino acid conservation, physicochemical variation, residue mobility, and thermodynamic stability) indicates that this missense variant is not expected to disrupt CAMTA1 protein function with a negative predictive value of 80%. In summary, the available evidence is currently insufficient to determine the role of this variant in disease. Therefore, it has been classified as a Variant of Uncertain Significance.

Women's Health and Genetics/Laboratory Corporation of America, LabCorp
Classification: Uncertain significance. Last evaluated: 2025-10-15. Review status: criteria provided, single submitter. Criteria: LabCorp Variant Classification Summary - May 2015. Collection method: clinical testing. Allele origin: germline.
Comment: Variant summary: CAMTA1 c.814G>A (p.Gly272Ser) results in a non-conservative amino acid change in the encoded protein sequence. Algorithms developed to predict the effect of missense changes on protein structure and function are either unavailable or do not agree on the potential impact of this missense change. The variant allele was found at a frequency of 0.0001 in 187118 control chromosomes. This frequency is not significantly higher than estimated for disease-causing variants in CAMTA1, allowing no conclusion about variant significance. To our knowledge, no occurrence of c.814G>A in individuals affected with CAMTA1-related conditions and no experimental evidence demonstrating its impact on protein function have been reported. ClinVar contains an entry for this variant (Variation ID: 975360). Based on the evidence outlined above, the variant was classified as uncertain significance.

CeGaT Center for Human Genetics Tuebingen
Classification: Likely benign. Last evaluated: 2023-08-01. Review status: criteria provided, single submitter. Criteria: CeGaT Center For Human Genetics Tuebingen Variant Classification Criteria Version 2. Collection method: clinical testing. Allele origin: germline. Affected: yes. Observed: 1 variant allele.
Comment: CAMTA1: BS2

Ambry Genetics
Classification: Likely benign for Inborn genetic diseases. Last evaluated: 2022-06-27. Review status: criteria provided, single submitter. Criteria: Ambry Variant Classification Scheme 2023. Collection method: clinical testing. Allele origin: germline.

Centre de Biologie Pathologie Génétique, Centre Hospitalier Universitaire de Lille
Classification: Likely benign for Intellectual disability. Last evaluated: 2019-01-01. Review status: no assertion criteria provided. Collection method: clinical testing. Allele origin: inherited. Affected: yes. Not counted in ClinVar's aggregate classification.